The following is an entry in ClinVar:

NM_004793.4(LONP1):c.2275G>T (p.Val759Leu)

Gene: LONP1 (lon peptidase 1, mitochondrial; minus strand). Cytogenetic location: 19p13.3.
Variant type: single nucleotide variant.
Coding change: c.2275G>T on transcript NM_004793.4 (MANE Select); coding-DNA position 2275, G replaced by T.
Protein change: p.Val759Leu; replaces valine 759 with leucine.
Molecular consequence: missense variant. On other transcripts: non-coding transcript variant (1).
Genome position (GRCh38, 1-based): chr19:5,694,432, C>A on the plus strand (G>T on the coding strand, the complement: LONP1 is on the minus strand). VCF-style: chr19-5694432-C-A. GRCh37 (hg19) VCF-style: chr19-5694443-C-A.
Other names: c.2083G>T, p.Val695Leu (NM_001276479.2); c.1687G>T, p.Val563Leu (NM_001276480.1); short protein forms V563L, V695L, V759L.
Identifiers: ClinVar variation 3625871 (VCV003625871.2).

ClinVar aggregate classification (germline): Uncertain significance (1 of 4 stars; one submission).

Submission:

Labcorp Genetics (formerly Invitae), Labcorp
Classification: Uncertain significance. Last evaluated: 2024-04-09. Review status: criteria provided, single submitter. Criteria: Invitae Variant Classification Sherloc (09022015). Collection method: clinical testing. Allele origin: germline.
Comment: This sequence change replaces valine, which is neutral and non-polar, with leucine, which is neutral and non-polar, at codon 759 of the LONP1 protein (p.Val759Leu). This variant is not present in population databases (gnomAD no frequency). This variant has not been reported in the literature in individuals affected with LONP1-related conditions. Advanced modeling of protein sequence and biophysical properties (such as structural, functional, and spatial information, amino acid conservation, physicochemical variation, residue mobility, and thermodynamic stability) performed at Invitae indicates that this missense variant is not expected to disrupt LONP1 protein function with a negative predictive value of 80%. In summary, the available evidence is currently insufficient to determine the role of this variant in disease. Therefore, it has been classified as a Variant of Uncertain Significance.